The following is an entry in ClinVar:

NM_006080.3(SEMA3A):c.1867G>A (p.Val623Met)

Gene: SEMA3A (semaphorin 3A; minus strand). Cytogenetic location: 7q21.11.
Variant type: single nucleotide variant.
Coding change: c.1867G>A on transcript NM_006080.3 (MANE Select); coding-DNA position 1867, G replaced by A.
Protein change: p.Val623Met; replaces valine 623 with methionine.
Molecular consequence: missense variant.
Genome position (GRCh38, 1-based): chr7:83,961,820, C>T on the plus strand (G>A on the coding strand, the complement: SEMA3A is on the minus strand). VCF-style: chr7-83961820-C-T. GRCh37 (hg19) VCF-style: chr7-83591136-C-T.
Other names: short protein forms V623M.
Identifiers: ClinVar variation 4986472 (VCV004986472.1).

ClinVar aggregate classification (germline): Uncertain significance (1 of 4 stars; one submission).

Conditions:
SEMA3A-related disorder. Also called: SEMA3A-related condition.

gnomAD v4.1: 2 of 1,610,530 alleles (0.00012%); highest among the groups gnomAD compares: Non-Finnish European, 0.00017%; no homozygotes.

Submission:

PreventionGenetics, part of Exact Sciences
Classification: Uncertain significance for SEMA3A-related condition. Last evaluated: 2025-03-20. Review status: criteria provided, single submitter. Criteria: ACMG Guidelines, 2015. Collection method: clinical testing. Allele origin: germline.
Comment: The SEMA3A c.1867G>A variant is predicted to result in the amino acid substitution p.Val623Met. To our knowledge, this variant has not been reported in the literature or in a large population database (gnomAD), indicating this variant is rare. At this time, the clinical significance of this variant is uncertain due to the absence of conclusive functional and genetic evidence.